The following is an entry in ClinVar:

NM_001164508.2(NEB):c.7362C>G (p.Asn2454Lys)

Gene: NEB (nebulin; minus strand). Cytogenetic location: 2q23.3.
Variant type: single nucleotide variant.
Coding change: c.7362C>G on transcript NM_001164508.2 (MANE Select); coding-DNA position 7362, C replaced by G.
Protein change: p.Asn2454Lys; replaces asparagine 2454 with lysine.
Molecular consequence: missense variant.
Genome position (GRCh38, 1-based): chr2:151,650,245, G>C on the plus strand (C>G on the coding strand, the complement: NEB is on the minus strand). VCF-style: chr2-151650245-G-C. GRCh37 (hg19) VCF-style: chr2-152506759-G-C.
Other names: c.7362C>G, p.Asn2454Lys (NM_001164507.2, NM_001271208.2, NM_004543.5); short protein forms N2454K.
Identifiers: ClinVar variation 374050 (VCV000374050.4), dbSNP rs1057518861, ClinGen allele CA16043376.

ClinVar aggregate classification (germline): Uncertain significance. Review status: criteria provided, single submitter (1 of 4 stars). 2 submissions from 1 submitter: Uncertain significance (2). Last evaluated 2016-01-01.

Conditions:
Nemaline myopathy 2 (NEM2). Also called: Nemaline myopathy 2, autosomal recessive. Identifiers: MedGen C1850569, MONDO:0009725, OMIM 256030.
Congenital muscular dystrophy. Identifiers: Orphanet 97242, MedGen C0699743, MONDO:0019950. Disease mechanism: loss of function.
Muscle weakness. Identifiers: MedGen C0151786, HP:0001324.

Submissions (2):

Centre for Mendelian Genomics, University Medical Centre Ljubljana
Classification: Uncertain significance for Nemaline myopathy 2. Last evaluated: 2016-01-01. Review status: criteria provided, single submitter. Criteria: ACMG Guidelines, 2015. Collection method: clinical testing. Allele origin: unknown. Affected: yes.
Comment: This variant was classified as: Uncertain significance.

Centre for Mendelian Genomics, University Medical Centre Ljubljana
Classification: Uncertain significance for Muscular dystrophy; Muscle weakness. Last evaluated: 2014-05-21. Review status: criteria provided, single submitter. Criteria: ACMG Guidelines, 2015. Collection method: clinical testing. Allele origin: unknown. Affected: yes.